The following is an entry in ClinVar:

ClinVar aggregate classification (germline): Uncertain significance. Review status: criteria provided, single submitter (1 of 4 stars). 2 submissions from 2 submitters: Uncertain significance (1). 1 of the submissions does not count toward it. Last evaluated 2026-03-27.

Conditions:
NRAP-related disorder. Also called: NRAP-related condition.
Cardiovascular phenotype. Identifiers: MedGen CN230736.

gnomAD v4.1: 7 of 1,613,718 alleles (0.00043%); highest among the groups gnomAD compares: African/African-American, 0.0053%; no homozygotes.

Submissions (2):

Molecular Diagnostic Laboratory for Inherited Cardiovascular Disease, Montreal Heart Institute
Classification: Uncertain significance for Cardiovascular phenotype. Last evaluated: 2026-03-27. Review status: criteria provided, single submitter. Criteria: ACMG Guidelines, 2015. Collection method: clinical testing. Allele origin: germline. Affected: yes.
Comment: PM2

PreventionGenetics, part of Exact Sciences
Classification: Uncertain significance for NRAP-related condition. Last evaluated: 2024-04-26. Review status: no assertion criteria provided. Collection method: clinical testing. Allele origin: germline. Not counted in ClinVar's aggregate classification.
Comment: The NRAP c.2078T>A variant is predicted to result in the amino acid substitution p.Val693Asp. To our knowledge, this variant has not been reported in the literature or in a large population database, indicating this variant is rare. At this time, the clinical significance of this variant is uncertain due to the absence of conclusive functional and genetic evidence.

NM_198060.4(NRAP):c.2078T>A (p.Val693Asp)

Gene: NRAP (nebulin related anchoring protein; minus strand). Cytogenetic location: 10q25.3.
Variant type: single nucleotide variant.
Coding change: c.2078T>A on transcript NM_198060.4 (MANE Select); coding-DNA position 2078, T replaced by A.
Protein change: p.Val693Asp; replaces valine 693 with aspartic acid.
Molecular consequence: missense variant.
Genome position (GRCh38, 1-based): chr10:113,628,984, A>T on the plus strand (T>A on the coding strand, the complement: NRAP is on the minus strand). VCF-style: chr10-113628984-A-T. GRCh37 (hg19) VCF-style: chr10-115388743-A-T.
Other names: c.2078T>A, p.Val693Asp (NM_001261463.2, NM_001322945.2); c.1973T>A, p.Val658Asp (NM_006175.5); c.2078T>A (NM_198060.3); short protein forms V658D, V693D.
Identifiers: ClinVar variation 3356138 (VCV003356138.2), dbSNP rs374679989.